The following is an entry in ClinVar:

ClinVar aggregate classification (germline): Uncertain significance (1 of 4 stars; one submission).

Allele frequency attached by ClinVar (database versions not stated): gnomAD exomes below 0.00001; ExAC 0.00001; gnomAD 0.00002; TOPMed 0.00002.
gnomAD v4.1: 7 of 1,591,606 alleles (0.00044%); highest among the groups gnomAD compares: African/African-American, 0.0081%; no homozygotes.

Submission:

Women's Health and Genetics/Laboratory Corporation of America, LabCorp
Classification: Uncertain significance. Last evaluated: 2022-08-31. Review status: criteria provided, single submitter. Criteria: LabCorp Variant Classification Summary - May 2015. Collection method: clinical testing. Allele origin: germline.
Comment: Variant summary: NUP107 c.2673A>G (p.Val891Val) alters a non-conserved nucleotide located in the last exon 3 nucleotides downstream from the canonical splice site and therefore could affect mRNA splicing, leading to a significantly altered protein sequence. 4/4 computational tools predict no significant impact on normal splicing. However, these predictions have yet to be confirmed by functional studies. The variant allele was found at a frequency of 2e-05 in 150918 control chromosomes (gnomAD v3.1, genomes dataset). The available data on variant occurrences in the general population are insufficient to allow any conclusion about variant significance. To our knowledge, no occurrence of c.2673A>G in individuals affected with Nephrotic Syndrome, Type 11 and no experimental evidence demonstrating its impact on protein function have been reported. No clinical diagnostic laboratories have submitted clinical-significance assessments for this variant to ClinVar after 2014. Based on the evidence outlined above, the variant was classified as uncertain significance.

NM_020401.4(NUP107):c.2673A>G (p.Val891=)

Gene: NUP107 (nucleoporin 107; plus strand). Cytogenetic location: 12q15.
Variant type: single nucleotide variant.
Coding change: c.2673A>G on transcript NM_020401.4 (MANE Select); coding-DNA position 2673, A replaced by G.
Protein change: p.Val891=; no amino-acid change (valine 891 retained).
Molecular consequence: synonymous variant.
Genome position (GRCh38, 1-based): chr12:68,742,357, A>G. VCF-style: chr12-68742357-A-G. GRCh37 (hg19) VCF-style: chr12-69136137-A-G.
Other names: c.2586A>G, p.Val862= (NM_001330192.2).
Identifiers: ClinVar variation 1705253 (VCV001705253.1), dbSNP rs780280726, ClinGen allele CA6678196.
Genomic context (GRCh38, chr12:68,742,357, plus strand): 5'-AGTTCATACTTGTCTACTTGTCTTTGTTCTCATTCTTATTTCTCTTTTTAAAAATCAGGT[A>G]TTTTCTAAGGAAGAGCTAAGGAAGTTGCTGCAGAAGCTCAGAGAGTCCTCTCTAATGCTC-3'
Protein context (NP_065134.1, residues 881-901): VSSERHKLYL[Val891=]FSKEELRKLL